The following is an entry in ClinVar:

ClinVar aggregate classification (germline): Uncertain significance (1 of 4 stars; one submission).

Allele frequency attached by ClinVar (database versions not stated): TOPMed below 0.00001; gnomAD 0.00001; ExAC 0.00002; gnomAD exomes 0.00001.
gnomAD v4.1: 10 of 1,613,000 alleles (0.00062%); highest among the groups gnomAD compares: African/African-American, 0.0027%; no homozygotes.

Submission:

Labcorp Genetics (formerly Invitae), Labcorp
Classification: Uncertain significance. Last evaluated: 2025-04-14. Review status: criteria provided, single submitter. Criteria: Invitae Variant Classification Sherloc (09022015). Collection method: clinical testing. Allele origin: germline.
Comment: This sequence change replaces glycine, which is neutral and non-polar, with arginine, which is basic and polar, at codon 561 of the GATAD2B protein (p.Gly561Arg). The frequency data for this variant in the population databases is considered unreliable, as metrics indicate poor data quality at this position in the gnomAD database. This variant has not been reported in the literature in individuals affected with GATAD2B-related conditions. ClinVar contains an entry for this variant (Variation ID: 2860861). Invitae Evidence Modeling of protein sequence and biophysical properties (such as structural, functional, and spatial information, amino acid conservation, physicochemical variation, residue mobility, and thermodynamic stability) indicates that this missense variant is not expected to disrupt GATAD2B protein function with a negative predictive value of 80%. Algorithms developed to predict the effect of sequence changes on RNA splicing suggest that this variant may disrupt the consensus splice site. In summary, the available evidence is currently insufficient to determine the role of this variant in disease. Therefore, it has been classified as a Variant of Uncertain Significance.

NM_020699.4(GATAD2B):c.1681G>A (p.Gly561Arg)

Gene: GATAD2B (GATA zinc finger domain containing 2B; minus strand). Cytogenetic location: 1q21.3.
Variant type: single nucleotide variant.
Coding change: c.1681G>A on transcript NM_020699.4 (MANE Select); coding-DNA position 1681, G replaced by A.
Protein change: p.Gly561Arg; replaces glycine 561 with arginine.
Molecular consequence: missense variant.
Genome position (GRCh38, 1-based): chr1:153,810,278, C>T on the plus strand (G>A on the coding strand, the complement: GATAD2B is on the minus strand). VCF-style: chr1-153810278-C-T. GRCh37 (hg19) VCF-style: chr1-153782754-C-T.
Other names: short protein forms G561R.
Identifiers: ClinVar variation 2860861 (VCV002860861.3), dbSNP rs748051214, ClinGen allele CA1120583.